The following is an entry in ClinVar:

ClinVar aggregate classification (germline): Benign. Review status: criteria provided, multiple submitters, no conflicts (2 of 4 stars). 2 submissions from 2 submitters: Benign (2). Last evaluated 2018-06-14.

Allele frequency attached by ClinVar (database versions not stated): gnomAD 0.22755 and 0.23709; TOPMed 0.24370; gnomAD exomes 0.26621; 1000 Genomes Project 30x 0.29778; 1000 Genomes Project 0.30691.

Submissions (2):

GeneDx
Classification: Benign. Last evaluated: 2018-06-14. Review status: criteria provided, single submitter. Criteria: GeneDx Variant Classification (06012015). Collection method: clinical testing. Allele origin: germline. Affected: yes.
Comment: This variant is considered likely benign or benign based on one or more of the following criteria: it is a conservative change, it occurs at a poorly conserved position in the protein, it is predicted to be benign by multiple in silico algorithms, and/or has population frequency not consistent with disease.

Breakthrough Genomics
Classification: Benign. Review status: criteria provided, single submitter. Criteria: ACMG Guidelines, 2015. Collection method: not provided. Allele origin: germline. Inheritance: Autosomal recessive inheritance. Affected: yes.

NM_000126.3(ETFA):c.-199G>A

Gene: ETFA (electron transfer flavoprotein subunit alpha; minus strand). Cytogenetic location: 15q24.3.
Variant type: single nucleotide variant.
Coding change: c.-199G>A on transcript NM_000126.3; 199 bases upstream of the start codon, G replaced by A.
Genome position (GRCh38, 1-based): chr15:76,311,587, C>T on the plus strand (G>A on the coding strand, the complement: ETFA is on the minus strand). VCF-style: chr15-76311587-C-T. GRCh37 (hg19) VCF-style: chr15-76603928-C-T.
Identifiers: ClinVar variation 676233 (VCV000676233.4), dbSNP rs62027052, ClinGen allele CA14106594.